The following is an entry in ClinVar:

ClinVar aggregate classification (germline): Likely benign (1 of 4 stars; one submission).

Conditions:
Maple syrup urine disease (MSUD). Identifiers: Orphanet 511, MedGen C0024776, MeSH D008375, MONDO:0009563. Disease mechanism: loss of function.

Allele frequency attached by ClinVar (database versions not stated): gnomAD below 0.00001 and 0.00013; TOPMed 0.00002; gnomAD exomes 0.00057; 1000 Genomes Project 30x 0.00156; 1000 Genomes Project 0.00200.
gnomAD v4.1: 187 of 456,518 alleles (0.041%); highest among the groups gnomAD compares: South Asian, 0.38%; 2 homozygotes.

Submission:

Illumina Laboratory Services, Illumina
Classification: Likely benign for Maple syrup urine disease type 1A. Last evaluated: 2018-01-12. Review status: criteria provided, single submitter. Criteria: ICSL Variant Classification Criteria 13 December 2019. Collection method: clinical testing. Allele origin: germline.
Comment: This variant was observed in the ICSL laboratory as part of a predisposition screen in an ostensibly healthy population. It had not been previously curated by ICSL or reported in the Human Gene Mutation Database (HGMD: prior to June 1st, 2018), and was therefore a candidate for classification through an automated scoring system. Utilizing variant allele frequency, disease prevalence and penetrance estimates, and inheritance mode, an automated score was calculated to assess if this variant is too frequent to cause the disease. Based on the score and internal cut-off values, a variant classified as likely benign is not then subjected to further curation. The score for this variant resulted in a classification of likely benign for this disease.

NM_183050.4(BCKDHB):c.*263C>A

Gene: BCKDHB (branched chain keto acid dehydrogenase E1 subunit beta; plus strand). Cytogenetic location: 6q14.1.
Variant type: single nucleotide variant.
Coding change: c.*263C>A on transcript NM_183050.4 (MANE Select); 263 bases downstream of the stop codon, C replaced by A.
Molecular consequence: 3 prime UTR variant. On other transcripts: non-coding transcript variant (1), intron variant (1).
Genome position (GRCh38, 1-based): chr6:80,344,067, C>A. VCF-style: chr6-80344067-C-A. GRCh37 (hg19) VCF-style: chr6-81053784-C-A.
Other names: c.*263C>A (NM_001318975.1); c.*8+255C>A (NM_000056.5).
Identifiers: ClinVar variation 908662 (VCV000908662.4), dbSNP rs533006469, ClinGen allele CA142303363.